The following is an entry in ClinVar:

ClinVar aggregate classification (germline): Uncertain significance (1 of 4 stars; one submission).

gnomAD v4.1: 12 of 1,613,992 alleles (0.00074%); highest among the groups gnomAD compares: Middle Eastern, 0.016%; no homozygotes.

Submission:

Mayo Clinic Laboratories, Mayo Clinic
Classification: Uncertain significance. Last evaluated: 2025-12-04. Review status: criteria provided, single submitter. Criteria: ACMG Guidelines, 2015. Collection method: clinical testing. Allele origin: germline. Observed: 1 variant allele.
Comment: PP3, PM2_supporting

NM_000392.5(ABCC2):c.4186G>A (p.Asp1396Asn)

Gene: ABCC2 (ATP binding cassette subfamily C member 2; plus strand). Cytogenetic location: 10q24.2.
Variant type: single nucleotide variant.
Coding change: c.4186G>A on transcript NM_000392.5 (MANE Select); coding-DNA position 4186, G replaced by A.
Protein change: p.Asp1396Asn; replaces aspartic acid 1396 with asparagine.
Molecular consequence: missense variant.
Genome position (GRCh38, 1-based): chr10:99,847,000, G>A. VCF-style: chr10-99847000-G-A. GRCh37 (hg19) VCF-style: chr10-101606757-G-A.
Other names: p.Asp1396Asn; short protein forms D1396N.
Identifiers: ClinVar variation 4541569 (VCV004541569.1).